The following is an entry in ClinVar:

ClinVar aggregate classification (germline): Likely benign. Review status: criteria provided, multiple submitters, no conflicts (2 of 4 stars). 3 submissions from 3 submitters: Likely benign (2). 1 of the submissions does not count toward it. Last evaluated 2022-10-24.

Conditions:
MAPT-Related Spectrum Disorders.
Frontotemporal dementia (FTD1). Also called: Frontotemporal Dementia with Parkinsonism-17 (FTDP-17); FRONTOTEMPORAL DEMENTIA WITH PARKINSONISM; FRONTOTEMPORAL LOBE DEMENTIA; MULTIPLE SYSTEM TAUOPATHY WITH PRESENILE DEMENTIA; Dementia, frontotemporal, with or without parkinsonism; WILHELMSEN-LYNCH DISEASE. Identifiers: Orphanet 282, MedGen C0338451, MONDO:0017276, OMIM 600274, HP:0002145.

Allele frequency attached by ClinVar (database versions not stated): gnomAD exomes 0.00007; TOPMed 0.00007; gnomAD 0.00010; ExAC 0.00014.
gnomAD v4.1: 70 of 1,574,224 alleles (0.0044%); highest among the groups gnomAD compares: East Asian, 0.058%; no homozygotes.

Submissions (3):

Labcorp Genetics (formerly Invitae), Labcorp
Classification: Likely benign for Frontotemporal dementia. Last evaluated: 2022-10-24. Review status: criteria provided, single submitter. Criteria: Invitae Variant Classification Sherloc (09022015). Collection method: clinical testing. Allele origin: germline.

Illumina Laboratory Services, Illumina
Classification: Likely benign for MAPT-Related Spectrum Disorders. Last evaluated: 2017-04-27. Review status: criteria provided, single submitter. Criteria: ICSL Variant Classification Criteria 13 December 2019. Collection method: clinical testing. Allele origin: germline.
Comment: This variant was observed as part of a predisposition screen in an ostensibly healthy population. A literature search was performed for the gene, cDNA change, and amino acid change (where applicable). Publications were found based on this search. The evidence from the literature, in combination with allele frequency data from public databases where available, was sufficient to determine this variant is unlikely to cause disease. Therefore, this variant is classified as likely benign.

VIB  Department of Molecular Genetics, University of Antwerp
No classification provided. Review status: no classification provided. Collection method: not provided. Allele origin: not provided. Not counted in ClinVar's aggregate classification.

Literature cited by the submitters: PubMed 18851693 (cited by Illumina Laboratory Services, Illumina); PubMed 11456301 (cited by Illumina Laboratory Services, Illumina); PubMed 16416390 (cited by Illumina Laboratory Services, Illumina).

NM_001377265.1(MAPT):c.2079G>A (p.Pro693=)

Gene: MAPT (microtubule associated protein tau). Cytogenetic location: 17q21.31.
Variant type: single nucleotide variant.
Coding change: c.2079G>A on transcript NM_001377265.1 (MANE Select); coding-DNA position 2079, G replaced by A.
Protein change: p.Pro693=; no amino-acid change (proline 693 retained).
Molecular consequence: synonymous variant. On other transcripts: intron variant (6).
Genome position (GRCh38, 1-based): chr17:46,010,390, G>A. VCF-style: chr17-46010390-G-A. GRCh37 (hg19) VCF-style: chr17-44087756-G-A.
Other names: c.1908G>A, p.Pro636= (NM_001123066.4); c.816G>A, p.Pro272= (NM_001123067.4); c.903G>A, p.Pro301= (NM_005910.6); c.729G>A, p.Pro243= (NM_016834.5); c.1854G>A, p.Pro618= (NM_016835.5); c.649-3853G>A (NM_001377268.1, NM_016841.5); c.823-3853G>A (NM_001203252.2); c.1801-3853G>A (NM_001377266.1); and 1 more.
Identifiers: ClinVar variation 98216 (VCV000098216.9), dbSNP rs63751395, ClinGen allele CA225449.